The following is an entry in ClinVar:

ClinVar aggregate classification (germline): Uncertain significance. Review status: criteria provided, multiple submitters, no conflicts (2 of 4 stars). 2 submissions from 2 submitters: Uncertain significance (2). Last evaluated 2025-01-09.

Conditions:
DNM2-related disorder. Also called: DNM2-related condition.
Inborn genetic diseases. Identifiers: MedGen C0950123, MeSH D030342.

Allele frequency attached by ClinVar (database versions not stated): TOPMed 0.00001; gnomAD exomes below 0.00001; ExAC 0.00001.
gnomAD v4.1: 6 of 1,613,858 alleles (0.00037%); highest among the groups gnomAD compares: African/African-American, 0.0013%; no homozygotes.

Submissions (2):

3billion
Classification: Uncertain significance for DNM2-related disorder. Last evaluated: 2025-01-09. Review status: criteria provided, single submitter. Criteria: ACMG Guidelines, 2015. Collection method: clinical testing. Allele origin: germline. Affected: yes.
Comment: The variant is observed at an extremely low frequency in the gnomAD v4.1.0 dataset (total allele frequency: <0.001%). Predicted Consequence/Location: Missense variant. Missense changes are a common disease-causing mechanism. In silico tool predictions suggest damaging effect of the variant on gene or gene product [REVEL: 0.76 (>=0.6, sensitivity 0.68 and specificity 0.92); 3Cnet: 0.60 (>=0.6, sensitivity 0.72 and precision 0.9)]. The same nucleotide change resulting in the same amino acid change has been previously reported to be associated with DNM2-related disorder (PMID: 26517984). However, the evidence of pathogenicity is insufficient at this time. Therefore, this variant is classified as VUS according to the recommendation of ACMG/AMP guideline.

Ambry Genetics
Classification: Uncertain significance for Inborn genetic diseases. Last evaluated: 2021-04-07. Review status: criteria provided, single submitter. Criteria: Ambry Variant Classification Scheme 2023. Collection method: clinical testing. Allele origin: germline.
Comment: The p.R719W variant (also known as c.2155C>T), located in coding exon 19 of the DNM2 gene, results from a C to T substitution at nucleotide position 2155. The arginine at codon 719 is replaced by tryptophan, an amino acid with dissimilar properties. This alteration has been reported to segregate with autosomal dominant hereditary spastic paraplegia in one family (Sambuughin N et al. BMC Neurol, 2015 Oct;15:223); however, the association of this alteration with Charcot-Marie-Tooth neuropathy (CMT) and centronuclear myopathy 1 (CNM1) is unknown. This amino acid position is highly conserved in available vertebrate species. In addition, this alteration is predicted to be deleterious by in silico analysis. Since supporting evidence is limited at this time, the clinical significance of this alteration remains unclear.

Literature cited by the submitters: PubMed 26517984 (cited by 3billion and Ambry Genetics).

NM_001005361.3(DNM2):c.2155C>T (p.Arg719Trp)

Gene: DNM2 (dynamin 2; plus strand). Cytogenetic location: 19p13.2.
Variant type: single nucleotide variant.
Coding change: c.2155C>T on transcript NM_001005361.3 (MANE Select); coding-DNA position 2155, C replaced by T.
Protein change: p.Arg719Trp; replaces arginine 719 with tryptophan.
Molecular consequence: missense variant.
Genome position (GRCh38, 1-based): chr19:10,829,132, C>T. VCF-style: chr19-10829132-C-T. GRCh37 (hg19) VCF-style: chr19-10939808-C-T.
Other names: c.2155C>T, p.Arg719Trp (NM_001005360.3, NM_001190716.2); c.2143C>T, p.Arg715Trp (NM_001005362.3, NM_004945.4); short protein forms R715W, R719W.
Identifiers: ClinVar variation 1786808 (VCV001786808.3), dbSNP rs757334523, ClinGen allele CA9201537.
Genomic context (GRCh38, chr19:10,829,132, plus strand): 5'-CTATACTCCTCGGCAGACCAGAGCAGCCTCATGGAGGAGTCGGCTGACCAGGCACAGCGG[C>T]GGGACGACATGCTGCGCATGTACCATGCCCTCAAGGAGGCGCTCAACATCATCGGTGACA-3'
Protein context (NP_001005361.1, residues 709-729): MEESADQAQR[Arg719Trp]DDMLRMYHAL